The following is an entry in ClinVar:

NM_001376571.1(MADD):c.1431C>T (p.Ile477=)

Gene: MADD (MAP kinase activating death domain; plus strand). Cytogenetic location: 11p11.2.
Variant type: single nucleotide variant.
Coding change: c.1431C>T on transcript NM_001376571.1 (MANE Select); coding-DNA position 1431, C replaced by T.
Protein change: p.Ile477=; no amino-acid change (isoleucine 477 retained).
Molecular consequence: synonymous variant. On other transcripts: non-coding transcript variant (8).
Genome position (GRCh38, 1-based): chr11:47,281,715, C>T. VCF-style: chr11-47281715-C-T. GRCh37 (hg19) VCF-style: chr11-47303266-C-T.
Other names: c.1431C>T, p.Ile477= (NM_001135943.2, NM_001135944.2, NM_001376572.1 and 80 more transcripts); c.1227C>T, p.Ile409= (NM_001376620.1, NM_001376626.1, NM_001376627.1 and 9 more transcripts); c.765C>T, p.Ile255= (NM_001376663.1).
Identifiers: ClinVar variation 4821339 (VCV004821339.4).
Genomic context (GRCh38, chr11:47,281,715, plus strand): 5'-CTTGGGAAGGCCTTCTAATGACCTGCAGTCCACACCGTCCACTGAATTCAACCCACTCAT[C>T]TATGGCAATGATGTGGATTCTGTGGATGTTGCAACCAGGTAAGACCAAGCCGACTGTATA-3'
Protein context (NP_001363500.1, residues 467-487): STPSTEFNPL[Ile477=]YGNDVDSVDV

ClinVar aggregate classification (germline): Likely benign (1 of 4 stars; one submission).

gnomAD v4.1: 2 of 1,612,906 alleles (0.00012%); highest among the groups gnomAD compares: Admixed American, 0.0017%; no homozygotes.

Submission:

CeGaT Center for Human Genetics Tuebingen
Classification: Likely benign. Last evaluated: 2026-01-01. Review status: criteria provided, single submitter. Criteria: CeGaT Center For Human Genetics Tuebingen Variant Classification Criteria Version 2. Collection method: clinical testing. Allele origin: germline. Affected: yes. Observed: 1 variant allele.
Comment: MADD: BP4, BP7